The following is an entry in ClinVar:

ClinVar aggregate classification (germline): Uncertain significance. Review status: criteria provided, single submitter (1 of 4 stars). 2 submissions from 2 submitters: Uncertain significance (1). 1 of the submissions does not count toward it. Last evaluated 2023-07-07.

Conditions:
BCL11B-related disorder. Also called: BCL11B-Related Disorders.

Submissions (2):

Blueprint Genetics
Classification: Uncertain significance. Last evaluated: 2023-07-07. Review status: criteria provided, single submitter. Criteria: ACMG Guidelines, 2015. Collection method: clinical testing. Allele origin: germline.

PreventionGenetics, part of Exact Sciences
Classification: Uncertain significance for BCL11B-related condition. Last evaluated: 2024-03-07. Review status: no assertion criteria provided. Collection method: clinical testing. Allele origin: germline. Not counted in ClinVar's aggregate classification.
Comment: The BCL11B c.1138G>T variant is predicted to result in the amino acid substitution p.Gly380Cys. To our knowledge, this variant has not been reported in the literature or in a large population database, indicating this variant is rare. At this time, the clinical significance of this variant is uncertain due to the absence of conclusive functional and genetic evidence.

NM_138576.4(BCL11B):c.1351G>T (p.Gly451Cys)

Gene: BCL11B (BCL11 transcription factor B; minus strand). Cytogenetic location: 14q32.2.
Variant type: single nucleotide variant.
Coding change: c.1351G>T on transcript NM_138576.4 (MANE Select); coding-DNA position 1351, G replaced by T.
Protein change: p.Gly451Cys; replaces glycine 451 with cysteine.
Molecular consequence: missense variant.
Genome position (GRCh38, 1-based): chr14:99,175,485, C>A on the plus strand (G>T on the coding strand, the complement: BCL11B is on the minus strand). VCF-style: chr14-99175485-C-A. GRCh37 (hg19) VCF-style: chr14-99641822-C-A.
Other names: c.1348G>T, p.Gly450Cys (NM_001282237.2); c.1135G>T, p.Gly379Cys (NM_001282238.2); c.1138G>T, p.Gly380Cys (NM_022898.3); short protein forms G379C, G380C, G450C, G451C.
Identifiers: ClinVar variation 3348094 (VCV003348094.2).